The following is an entry in ClinVar:

NM_000038.6(APC):c.3553A>G (p.Thr1185Ala)

Gene: APC (APC regulator of Wnt signaling pathway; plus strand). Cytogenetic location: 5q22.2.
Variant type: single nucleotide variant.
Coding change: c.3553A>G on transcript NM_000038.6 (MANE Select); coding-DNA position 3553, A replaced by G.
Protein change: p.Thr1185Ala; replaces threonine 1185 with alanine.
Molecular consequence: missense variant.
Genome position (GRCh38, 1-based): chr5:112,839,147, A>G. VCF-style: chr5-112839147-A-G. GRCh37 (hg19) VCF-style: chr5-112174844-A-G.
Other names: c.3553A>G, p.Thr1185Ala (NM_001127510.3, NM_001354895.2); c.3499A>G, p.Thr1167Ala (NM_001127511.3); c.3607A>G, p.Thr1203Ala (NM_001354896.2); c.3583A>G, p.Thr1195Ala (NM_001354897.2); c.3478A>G, p.Thr1160Ala (NM_001354898.2); c.3469A>G, p.Thr1157Ala (NM_001354899.2); c.3430A>G, p.Thr1144Ala (NM_001354900.2); c.3376A>G, p.Thr1126Ala (NM_001354901.2); and 5 more; short protein forms T1084A, T1126A, T1157A, T1185A, T1195A, T902A, T1059A, T1203A.
Identifiers: ClinVar variation 857873 (VCV000857873.11), dbSNP rs1765454910, ClinGen allele CA16029140.

ClinVar aggregate classification (germline): Uncertain significance (1 of 4 stars; one submission).

Conditions:
Familial adenomatous polyposis 1 (FAP1). Also called: FAMILIAL ADENOMATOUS POLYPOSIS 1, ATTENUATED; POLYPOSIS, ADENOMATOUS INTESTINAL. Identifiers: MedGen C2713442, MONDO:0021056, OMIM 175100. Disease mechanism: loss of function.

Submission:

Labcorp Genetics (formerly Invitae), Labcorp
Classification: Uncertain significance for Familial adenomatous polyposis 1. Last evaluated: 2023-08-10. Review status: criteria provided, single submitter. Criteria: Invitae Variant Classification Sherloc (09022015). Collection method: clinical testing. Allele origin: germline.
Comment: This sequence change replaces threonine, which is neutral and polar, with alanine, which is neutral and non-polar, at codon 1185 of the APC protein (p.Thr1185Ala). This variant is not present in population databases (gnomAD no frequency). This variant has not been reported in the literature in individuals affected with APC-related conditions. ClinVar contains an entry for this variant (Variation ID: 857873). Advanced modeling of protein sequence and biophysical properties (such as structural, functional, and spatial information, amino acid conservation, physicochemical variation, residue mobility, and thermodynamic stability) performed at Invitae indicates that this missense variant is not expected to disrupt APC protein function. In summary, the available evidence is currently insufficient to determine the role of this variant in disease. Therefore, it has been classified as a Variant of Uncertain Significance.